The following is an entry in ClinVar:

NM_001042492.3(NF1):c.2275G>A (p.Val759Met)

Gene: NF1 (neurofibromin 1; plus strand). Cytogenetic location: 17q11.2.
Variant type: single nucleotide variant.
Coding change: c.2275G>A on transcript NM_001042492.3 (MANE Select); coding-DNA position 2275, G replaced by A.
Protein change: p.Val759Met; replaces valine 759 with methionine.
Molecular consequence: missense variant.
Genome position (GRCh38, 1-based): chr17:31,227,241, G>A. VCF-style: chr17-31227241-G-A. GRCh37 (hg19) VCF-style: chr17-29554259-G-A.
Other names: c.2275G>A, p.Val759Met (NM_000267.4); short protein forms V759M.
Identifiers: ClinVar variation 3689086 (VCV003689086.3).

ClinVar aggregate classification (germline): Uncertain significance. Review status: criteria provided, multiple submitters, no conflicts (2 of 4 stars). 2 submissions from 2 submitters: Uncertain significance (2). Last evaluated 2025-07-31.

Conditions:
Cardiovascular phenotype. Identifiers: MedGen CN230736.
Hereditary cancer-predisposing syndrome. Also called: Tumor predisposition; Hereditary neoplastic syndrome; Hereditary Cancer Syndrome; Neoplastic Syndromes, Hereditary. Identifiers: Orphanet 140162, MedGen C0027672, MeSH D009386, MONDO:0015356.
Neurofibromatosis, type 1 (NF1). Also called: Peripheral type neurofibromatosis; Neurofibromatosis, type I; VON RECKLINGHAUSEN DISEASE; NEUROFIBROMATOSIS, TYPE I, SOMATIC. Identifiers: Orphanet 636, MedGen C0027831, MONDO:0018975, OMIM 162200. Disease mechanism: loss of function.

Submissions (2):

Ambry Genetics
Classification: Uncertain significance for Cardiovascular phenotype; Hereditary cancer-predisposing syndrome. Last evaluated: 2025-07-31. Review status: criteria provided, single submitter. Criteria: Ambry Variant Classification Scheme 2023. Collection method: clinical testing. Allele origin: germline.
Comment: The p.V759M variant (also known as c.2275G>A), located in coding exon 19 of the NF1 gene, results from a G to A substitution at nucleotide position 2275. The valine at codon 759 is replaced by methionine, an amino acid with highly similar properties. This amino acid position is highly conserved in available vertebrate species. In addition, the in silico prediction for this alteration is inconclusive. Based on the available evidence, the clinical significance of this variant remains unclear.

Labcorp Genetics (formerly Invitae), Labcorp
Classification: Uncertain significance for Neurofibromatosis, type 1. Last evaluated: 2024-09-22. Review status: criteria provided, single submitter. Criteria: Invitae Variant Classification Sherloc (09022015). Collection method: clinical testing. Allele origin: germline.
Comment: This sequence change replaces valine, which is neutral and non-polar, with methionine, which is neutral and non-polar, at codon 759 of the NF1 protein (p.Val759Met). This variant is not present in population databases (gnomAD no frequency). This variant has not been reported in the literature in individuals affected with NF1-related conditions. Invitae Evidence Modeling of protein sequence and biophysical properties (such as structural, functional, and spatial information, amino acid conservation, physicochemical variation, residue mobility, and thermodynamic stability) indicates that this missense variant is expected to disrupt NF1 protein function with a positive predictive value of 95%. In summary, the available evidence is currently insufficient to determine the role of this variant in disease. Therefore, it has been classified as a Variant of Uncertain Significance.